The following is an entry in ClinVar:

NM_182914.3(SYNE2):c.20499_20516+4dup

Gene: SYNE2 (spectrin repeat containing nuclear envelope protein 2; plus strand). Cytogenetic location: 14q23.2.
Variant type: Duplication.
Coding change: c.20499_20516+4dup on transcript NM_182914.3 (MANE Select); coding-DNA position 20499 through 4 bases into the intron after coding-DNA position 20516, 22 bases duplicated (GGAGGAGACAGAGAGCAGGTAA).
Molecular consequence: splice donor variant.
Genome position (GRCh38, 1-based): chr14:64,225,028-64,225,049, GGAGGAGACAGAGAGCAGGTAA duplicated; duplicating any 22 consecutive bases within chr14:64,225,027-64,225,049 gives the same sequence; the c. name uses the placement nearest the transcript's 3' end. VCF-style (leftmost placement, unchanged base first): chr14-64225026-G-GAGGAGGAGACAGAGAGCAGGTA. GRCh37 (hg19) VCF-style: chr14-64691744-G-GAGGAGGAGACAGAGAGCAGGTA.
Other names: c.20433_20450+4dup (NM_015180.6); c.1446_1463+4dup (NM_182913.4); c.1065_1082+4dup (NM_182910.2).
Identifiers: ClinVar variation 1435100 (VCV001435100.6), dbSNP rs2098712389, ClinGen allele CA2142583743.

ClinVar aggregate classification (germline): Uncertain significance (1 of 4 stars; one submission).

Conditions:
Emery-Dreifuss muscular dystrophy 5, autosomal dominant (EDMD5). Also called: EMERY-DREIFUSS MUSCULAR DYSTROPHY 5. Identifiers: Orphanet 261, MedGen C2751805, MONDO:0013072, OMIM 612999.

Submission:

Labcorp Genetics (formerly Invitae), Labcorp
Classification: Uncertain significance for Emery-Dreifuss muscular dystrophy 5, autosomal dominant. Last evaluated: 2021-11-04. Review status: criteria provided, single submitter. Criteria: Invitae Variant Classification Sherloc (09022015). Collection method: clinical testing. Allele origin: germline.
Comment: This sequence change falls in intron 115 of the SYNE2 gene. It does not directly change the encoded amino acid sequence of the SYNE2 protein. It affects a nucleotide within the consensus splice site. This variant is not present in population databases (gnomAD no frequency). This variant has not been reported in the literature in individuals affected with SYNE2-related conditions. Variants that disrupt the consensus splice site are a relatively common cause of aberrant splicing (PMID: 17576681, 9536098). Algorithms developed to predict the effect of sequence changes on RNA splicing suggest that this variant may create or strengthen a splice site. In summary, the available evidence is currently insufficient to determine the role of this variant in disease. Therefore, it has been classified as a Variant of Uncertain Significance.

Literature cited by the submitters: PubMed 17576681; PubMed 9536098.